The following is an entry in ClinVar:

NM_182961.4(SYNE1):c.7029+45T>C

Gene: SYNE1 (spectrin repeat containing nuclear envelope protein 1; minus strand). Cytogenetic location: 6q25.2.
Variant type: single nucleotide variant.
Coding change: c.7029+45T>C on transcript NM_182961.4 (MANE Select); 45 bases into the intron after coding-DNA position 7029, T replaced by C.
Molecular consequence: intron variant.
Genome position (GRCh38, 1-based): chr6:152,401,093, A>G on the plus strand (T>C on the coding strand, the complement: SYNE1 is on the minus strand). VCF-style: chr6-152401093-A-G. GRCh37 (hg19) VCF-style: chr6-152722228-A-G.
Other names: c.7050+45T>C (NM_033071.5).
Identifiers: ClinVar variation 262198 (VCV000262198.4), dbSNP rs177330, ClinGen allele CA4057940.
Genomic context (GRCh38, chr6:152,401,093, plus strand): 5'-TATGGGTAACTGAGAGCAGAGGTTATATTTTTTATTATAGTCACCACAAAACAGAACTAC[A>G]ATCACCATTTGAATGGAAGCACTTAATGATAGTTTATTACCTACCTTGACTTTTTTCAAT-3'

ClinVar aggregate classification (germline): Benign. Review status: criteria provided, multiple submitters, no conflicts (2 of 4 stars). 5 submissions from 3 submitters: Benign (5). Last evaluated 2021-07-15.

Conditions:
Arthrogryposis multiplex congenita 3, myogenic type. Also called: ARTHROGRYPOSIS MULTIPLEX CONGENITA, MYOGENIC TYPE. Identifiers: MedGen C5193121, MONDO:0032778, OMIM 618484.
Emery-Dreifuss muscular dystrophy 4, autosomal dominant (EDMD4). Also called: EMERY-DREIFUSS MUSCULAR DYSTROPHY 4 WITH VARIABLE FEATURES. Identifiers: Orphanet 261, MedGen C2751807, MONDO:0013071, OMIM 612998.
Autosomal recessive ataxia, Beauce type. Also called: Spinocerebellar ataxia, autosomal recessive 8; ATAXIA, RECESSIVE, OF BEAUCE; SYNE1-Related Autosomal Recessive Cerebellar Ataxia; SYNE1 Deficiency. Identifiers: Orphanet 88644, MedGen C1853116, MONDO:0012549, OMIM 610743.

Allele frequency attached by ClinVar (database versions not stated): gnomAD exomes 0.39238 and 0.42269; ExAC 0.43293; gnomAD 0.43899 and 0.44422; ESP Exome Variant Server 0.43946; TOPMed 0.44520; 1000 Genomes Project 30x 0.51874; 1000 Genomes Project 0.51977.
gnomAD v4.1: 629,898 of 1,581,814 alleles (40%); highest among the groups gnomAD compares: East Asian, 77%; 131,753 homozygotes.

Submissions (5):

Genome-Nilou Lab
Classification: Benign for Arthrogryposis multiplex congenita 3, myogenic type. Last evaluated: 2021-07-15. Review status: criteria provided, single submitter. Criteria: ACMG Guidelines, 2015. Collection method: clinical testing. Allele origin: germline. Affected: no.

Genome-Nilou Lab
Classification: Benign for Emery-Dreifuss muscular dystrophy 4, autosomal dominant. Last evaluated: 2021-07-15. Review status: criteria provided, single submitter. Criteria: ACMG Guidelines, 2015. Collection method: clinical testing. Allele origin: germline. Affected: no.

Genome-Nilou Lab
Classification: Benign for Autosomal recessive ataxia, Beauce type. Last evaluated: 2021-07-15. Review status: criteria provided, single submitter. Criteria: ACMG Guidelines, 2015. Collection method: clinical testing. Allele origin: germline. Affected: no.

GeneDx
Classification: Benign. Last evaluated: 2018-06-14. Review status: criteria provided, single submitter. Criteria: GeneDx Variant Classification (06012015). Collection method: clinical testing. Allele origin: germline. Affected: yes.
Comment: This variant is considered likely benign or benign based on one or more of the following criteria: it is a conservative change, it occurs at a poorly conserved position in the protein, it is predicted to be benign by multiple in silico algorithms, and/or has population frequency not consistent with disease.

PreventionGenetics, part of Exact Sciences
Classification: Benign. Review status: criteria provided, single submitter. Criteria: ACMG Guidelines, 2015. Collection method: clinical testing. Allele origin: germline.